The following is an entry in ClinVar:

ClinVar aggregate classification (germline): Conflicting classifications of pathogenicity. Review status: criteria provided, conflicting classifications (1 of 4 stars). 3 submissions from 3 submitters: Likely pathogenic (1); Uncertain significance (1). 1 of the submissions does not count toward it. Last evaluated 2025-10-15.

Conditions:
Oculodentodigital dysplasia, autosomal recessive. Also called: OCULODENTOOSSEOUS DYSPLASIA, AUTOSOMAL RECESSIVE; ODDD, AUTOSOMAL RECESSIVE; ODOD, AUTOSOMAL RECESSIVE. Identifiers: Orphanet 2710, MedGen C2749477, MONDO:0009768, OMIM 257850.
Craniometaphyseal dysplasia, autosomal recessive (CMDR). Identifiers: Orphanet 1522, MedGen C2931244, MONDO:0009035, OMIM 218400.

Allele frequency attached by ClinVar (database versions not stated): ExAC 0.00001; gnomAD exomes 0.00001 and 0.00002; TOPMed 0.00002; gnomAD 0.00003 and 0.00004; 1000 Genomes Project 30x 0.00016.
gnomAD v4.1: 17 of 1,613,912 alleles (0.0011%); highest among the groups gnomAD compares: Admixed American, 0.01%; no homozygotes.

Submissions (3):

Labcorp Genetics (formerly Invitae), Labcorp
Classification: Uncertain significance for Oculodentodigital dysplasia, autosomal recessive. Last evaluated: 2025-10-15. Review status: criteria provided, single submitter. Criteria: Invitae Variant Classification Sherloc (09022015). Collection method: clinical testing. Allele origin: germline.
Comment: This sequence change replaces arginine, which is basic and polar, with glutamine, which is neutral and polar, at codon 239 of the GJA1 protein (p.Arg239Gln). This variant is present in population databases (rs764670582, gnomAD 0.009%). This missense change has been observed in individual(s) with craniometaphyseal dysplasia (PMID: 23951358). ClinVar contains an entry for this variant (Variation ID: 64622). Invitae Evidence Modeling of protein sequence and biophysical properties (such as structural, functional, and spatial information, amino acid conservation, physicochemical variation, residue mobility, and thermodynamic stability) has been performed for this missense variant. However, the output from this modeling did not meet the statistical confidence thresholds required to predict the impact of this variant on GJA1 protein function. In summary, the available evidence is currently insufficient to determine the role of this variant in disease. Therefore, it has been classified as a Variant of Uncertain Significance.

Center for Pediatric Genomic Medicine, Children's Mercy Hospital and Clinics
Classification: Likely pathogenic. Last evaluated: 2017-07-24. Review status: criteria provided, single submitter. Criteria: ACMG Guidelines, 2015. Collection method: clinical testing. Allele origin: germline.

OMIM
Classification: Pathogenic for CRANIOMETAPHYSEAL DYSPLASIA, AUTOSOMAL RECESSIVE. Last evaluated: 2013-01-01. Review status: no assertion criteria provided. Collection method: literature only. Allele origin: germline. Not counted in ClinVar's aggregate classification.

Literature cited by the submitters: PubMed 23951358 (cited by Labcorp Genetics (formerly Invitae), Labcorp and OMIM); PubMed 11146471 (cited by OMIM).

NM_000165.5(GJA1):c.716G>A (p.Arg239Gln)

Gene: GJA1 (gap junction protein alpha 1; plus strand). Cytogenetic location: 6q22.31.
Variant type: single nucleotide variant.
Coding change: c.716G>A on transcript NM_000165.5 (MANE Select); coding-DNA position 716, G replaced by A.
Protein change: p.Arg239Gln; replaces arginine 239 with glutamine.
Molecular consequence: missense variant.
Genome position (GRCh38, 1-based): chr6:121,447,563, G>A. VCF-style: chr6-121447563-G-A. GRCh37 (hg19) VCF-style: chr6-121768709-G-A.
Other names: short protein forms R239Q.
Identifiers: ClinVar variation 64622 (VCV000064622.8), dbSNP rs764670582, ClinGen allele CA203900.